The following is an entry in ClinVar:

NM_022455.5(NSD1):c.6787T>A (p.Ser2263Thr)

Gene: NSD1 (nuclear receptor binding SET domain protein 1; plus strand). Cytogenetic location: 5q35.3.
Variant type: single nucleotide variant.
Coding change: c.6787T>A on transcript NM_022455.5 (MANE Select); coding-DNA position 6787, T replaced by A.
Protein change: p.Ser2263Thr; replaces serine 2263 with threonine.
Molecular consequence: missense variant.
Genome position (GRCh38, 1-based): chr5:177,294,155, T>A. VCF-style: chr5-177294155-T-A. GRCh37 (hg19) VCF-style: chr5-176721156-T-A.
Other names: c.5914T>A, p.Ser1972Thr (NM_001365684.2, NM_001409308.1, NM_172349.5); c.6787T>A, p.Ser2263Thr (NM_001409301.1, NM_001409302.1, NM_001409303.1); c.6367T>A, p.Ser2123Thr (NM_001409304.1); c.6034T>A, p.Ser2012Thr (NM_001409305.1); c.6025T>A, p.Ser2009Thr (NM_001409306.1, NM_001409307.1); c.5665T>A, p.Ser1889Thr (NM_001409309.1); short protein forms S1972T, S2263T, S2123T, S1889T, S2012T, S1994T, S2009T.
Identifiers: ClinVar variation 2073444 (VCV002073444.5), dbSNP rs781182801, ClinGen allele CA3578041.

ClinVar aggregate classification (germline): Benign/Likely benign. Review status: criteria provided, multiple submitters, no conflicts (2 of 4 stars). 2 submissions from 2 submitters: Benign (1); Likely benign (1). Last evaluated 2026-07-01.

Allele frequency attached by ClinVar (database versions not stated): TOPMed 0.00001; ExAC 0.00001; gnomAD 0.00001; gnomAD exomes 0.00001.
gnomAD v4.1: 8 of 1,614,040 alleles (0.0005%); highest among the groups gnomAD compares: Admixed American, 0.013%; no homozygotes.

Submissions (2):

CeGaT Center for Human Genetics Tuebingen
Classification: Likely benign. Last evaluated: 2026-07-01. Review status: criteria provided, single submitter. Criteria: CeGaT Center For Human Genetics Tuebingen Variant Classification Criteria Version 2. Collection method: clinical testing. Allele origin: germline. Affected: yes. Observed: 1 variant allele.
Comment: NSD1: BP4

Labcorp Genetics (formerly Invitae), Labcorp
Classification: Benign. Last evaluated: 2023-04-10. Review status: criteria provided, single submitter. Criteria: Invitae Variant Classification Sherloc (09022015). Collection method: clinical testing. Allele origin: germline.